The following is an entry in ClinVar:

ClinVar aggregate classification (germline): Uncertain significance. Review status: criteria provided, multiple submitters, no conflicts (2 of 4 stars). 3 submissions from 3 submitters: Uncertain significance (3). Last evaluated 2026-03-09.

Conditions:
Hereditary cancer-predisposing syndrome. Also called: Neoplastic Syndromes, Hereditary; Tumor predisposition; Hereditary Cancer Syndrome; Hereditary neoplastic syndrome. Identifiers: Orphanet 140162, MedGen C0027672, MeSH D009386, MONDO:0015356.
Tumor predisposition syndrome 3 (TPDS3). Also called: Melanoma, cutaneous malignant, susceptibility to, 10; Glioma susceptibility 9; LONG TELOMERE SYNDROME, POT1-RELATED; POT1 Tumor Predisposition. Identifiers: Orphanet 618, MedGen C4014476, MONDO:0014368, OMIM 615848.

gnomAD v4.1: 1 of 1,610,936 alleles (0.000062%); no homozygotes.

Submissions (3):

Ambry Genetics
Classification: Uncertain significance for Hereditary cancer-predisposing syndrome. Last evaluated: 2026-03-09. Review status: criteria provided, single submitter. Criteria: Ambry Variant Classification Scheme 2023. Collection method: clinical testing. Allele origin: germline.
Comment: The p.V202A variant (also known as c.605T>C), located in coding exon 5 of the POT1 gene, results from a T to C substitution at nucleotide position 605. The valine at codon 202 is replaced by alanine, an amino acid with similar properties. This amino acid position is conserved. In addition, this alteration is predicted to be tolerated by in silico analysis. Based on the available evidence, the clinical significance of this variant remains unclear.

Labcorp Genetics (formerly Invitae), Labcorp
Classification: Uncertain significance for Tumor predisposition syndrome 3. Last evaluated: 2023-02-20. Review status: criteria provided, single submitter. Criteria: Invitae Variant Classification Sherloc (09022015). Collection method: clinical testing. Allele origin: germline.
Comment: This sequence change replaces valine, which is neutral and non-polar, with alanine, which is neutral and non-polar, at codon 202 of the POT1 protein (p.Val202Ala). This variant is not present in population databases (gnomAD no frequency). This variant has not been reported in the literature in individuals affected with POT1-related conditions. Advanced modeling of protein sequence and biophysical properties (such as structural, functional, and spatial information, amino acid conservation, physicochemical variation, residue mobility, and thermodynamic stability) performed at Invitae indicates that this missense variant is not expected to disrupt POT1 protein function. In summary, the available evidence is currently insufficient to determine the role of this variant in disease. Therefore, it has been classified as a Variant of Uncertain Significance.

Quest Diagnostics Nichols Institute San Juan Capistrano
Classification: Uncertain significance. Last evaluated: 2022-12-07. Review status: criteria provided, single submitter. Criteria: Quest Diagnostics criteria. Collection method: clinical testing. Allele origin: unknown.
Comment: This variant has not been reported in the published literature. It also has not been reported in large, multi-ethnic general populations. Analysis of this variant using bioinformatics tools for the prediction of the effect of amino acid changes on protein structure and function yielded predictions that this variant is benign. Based on the available information, we are unable to determine the clinical significance of this variant.

NM_015450.3(POT1):c.605T>C (p.Val202Ala)

Gene: POT1 (protection of telomeres 1; minus strand). Cytogenetic location: 7q31.33.
Variant type: single nucleotide variant.
Coding change: c.605T>C on transcript NM_015450.3 (MANE Select); coding-DNA position 605, T replaced by C.
Protein change: p.Val202Ala; replaces valine 202 with alanine.
Molecular consequence: missense variant. On other transcripts: non-coding transcript variant (3).
Genome position (GRCh38, 1-based): chr7:124,859,054, A>G on the plus strand (T>C on the coding strand, the complement: POT1 is on the minus strand). VCF-style: chr7-124859054-A-G. GRCh37 (hg19) VCF-style: chr7-124499108-A-G.
Other names: c.212T>C, p.Val71Ala (NM_001042594.2); c.605T>C (NM_015450.2); short protein forms V202A, V71A.
Identifiers: ClinVar variation 2193888 (VCV002193888.6), dbSNP rs2116526171, ClinGen allele CA369056567.
Genomic context (GRCh38, chr7:124,859,054, plus strand): 5'-ACTAAAATGTCTATTGTCAGATTTTGTAGCCGATGGATGTGACTTAAATCACCTTCAAGA[A>G]CAAGGTCTTGTATTAAGACTCTCCAAGATGGAAATGGTGTCCTGGTGCCATCCCATACCT-3'
Protein context (NP_056265.2, residues 192-212): PSWRVLIQDL[Val202Ala]LEGDLSHIHR